The following is an entry in ClinVar:

ClinVar aggregate classification (germline): Likely benign (1 of 4 stars; one submission).

Conditions:
PLXNA3-related disorder. Also called: PLXNA3-related condition.

Submission:

PreventionGenetics, part of Exact Sciences
Classification: Likely benign for PLXNA3-related condition. Last evaluated: 2024-11-25. Review status: criteria provided, single submitter. Criteria: ACMG Guidelines, 2015. Collection method: clinical testing. Allele origin: germline.
Comment: This variant is classified as likely benign based on ACMG/AMP sequence variant interpretation guidelines (Richards et al. 2015 PMID: 25741868, with internal and published modifications).

NM_017514.5(PLXNA3):c.3285C>G (p.Gly1095=)

Gene: PLXNA3 (plexin A3; plus strand). Cytogenetic location: Xq28.
Variant type: single nucleotide variant.
Coding change: c.3285C>G on transcript NM_017514.5 (MANE Select); coding-DNA position 3285, C replaced by G.
Protein change: p.Gly1095=; no amino-acid change (glycine 1095 retained).
Molecular consequence: synonymous variant.
Genome position (GRCh38, 1-based): chrX:154,467,315, C>G. VCF-style: chrX-154467315-C-G. GRCh37 (hg19) VCF-style: chrX-153695658-C-G.
Identifiers: ClinVar variation 4985052 (VCV004985052.1).